The following is an entry in ClinVar:

ClinVar aggregate classification (germline): Uncertain significance (1 of 4 stars; one submission).

Conditions:
Hereditary cancer-predisposing syndrome. Also called: Neoplastic Syndromes, Hereditary; Hereditary neoplastic syndrome; Tumor predisposition; Hereditary Cancer Syndrome. Identifiers: Orphanet 140162, MedGen C0027672, MeSH D009386, MONDO:0015356.

Allele frequency attached by ClinVar (database versions not stated): gnomAD exomes below 0.00001; TOPMed below 0.00001.

Submission:

Ambry Genetics
Classification: Uncertain significance for Hereditary cancer-predisposing syndrome. Last evaluated: 2025-03-17. Review status: criteria provided, single submitter. Criteria: Ambry Variant Classification Scheme 2023. Collection method: clinical testing. Allele origin: germline.
Comment: The p.A21V variant (also known as c.62C>T), located in coding exon 1 of the EPCAM gene, results from a C to T substitution at nucleotide position 62. The alanine at codon 21 is replaced by valine, an amino acid with similar properties. This amino acid position is conserved. In addition, this alteration is predicted to be tolerated by in silico analysis. Since supporting evidence is limited at this time, the clinical significance of this alteration remains unclear.

NM_002354.3(EPCAM):c.62C>T (p.Ala21Val)

Gene: EPCAM (epithelial cell adhesion molecule; plus strand). Cytogenetic location: 2p21.
Variant type: single nucleotide variant.
Coding change: c.62C>T on transcript NM_002354.3 (MANE Select); coding-DNA position 62, C replaced by T.
Protein change: p.Ala21Val; replaces alanine 21 with valine.
Molecular consequence: missense variant.
Genome position (GRCh38, 1-based): chr2:47,369,567, C>T. VCF-style: chr2-47369567-C-T. GRCh37 (hg19) VCF-style: chr2-47596706-C-T.
Other names: short protein forms A21V.
Identifiers: ClinVar variation 2477676 (VCV002477676.3), dbSNP rs1671161598, ClinGen allele CA346721450.